The following is an entry in ClinVar:

NM_053025.4(MYLK):c.755-12C>T

Gene: MYLK (myosin light chain kinase; minus strand). Cytogenetic location: 3q21.1.
Variant type: single nucleotide variant.
Coding change: c.755-12C>T on transcript NM_053025.4 (MANE Select); 12 bases into the intron before coding-DNA position 755, C replaced by T.
Molecular consequence: intron variant.
Genome position (GRCh38, 1-based): chr3:123,735,428, G>A on the plus strand (C>T on the coding strand, the complement: MYLK is on the minus strand). VCF-style: chr3-123735428-G-A. GRCh37 (hg19) VCF-style: chr3-123454275-G-A.
Other names: c.227-12C>T (NM_001321309.2); c.755-12C>T (NM_053028.4, NM_053026.4, NM_053027.4).
Identifiers: ClinVar variation 389625 (VCV000389625.30), dbSNP rs138877679, ClinGen allele CA073583.

ClinVar aggregate classification (germline): Benign/Likely benign. Review status: criteria provided, multiple submitters, no conflicts (2 of 4 stars). 11 submissions from 11 submitters: Benign (3); Likely benign (6). 2 of the submissions do not count toward it. Last evaluated 2026-01-26.

Conditions:
Connective tissue disorder. Also called: Connective tissue disease. Identifiers: MedGen C0009782, MONDO:0003900.
Aortic aneurysm, familial thoracic 7 (AAT7). Also called: AORTIC DISSECTION, FAMILIAL, WITH OR WITHOUT AORTIC ANEURYSM. Identifiers: MedGen C3151077, MONDO:0013418, OMIM 613780.

Allele frequency attached by ClinVar (database versions not stated): gnomAD exomes 0.00130 and 0.00197; ExAC 0.00151; ESP Exome Variant Server 0.00192; gnomAD 0.00206 and 0.00212; 1000 Genomes Project 30x 0.00281; TOPMed 0.00289; 1000 Genomes Project 0.00300.
gnomAD v4.1: 2,303 of 1,614,072 alleles (0.14%); highest among the groups gnomAD compares: Middle Eastern, 0.76%; 10 homozygotes.

Submissions (11):

Labcorp Genetics (formerly Invitae), Labcorp
Classification: Benign for Aortic aneurysm, familial thoracic 7. Last evaluated: 2026-01-26. Review status: criteria provided, single submitter. Criteria: Invitae Variant Classification Sherloc (09022015). Collection method: clinical testing. Allele origin: germline.

ARUP Laboratories, Molecular Genetics and Genomics, ARUP Laboratories
Classification: Likely benign. Last evaluated: 2025-05-29. Review status: criteria provided, single submitter. Criteria: ARUP Molecular Germline Variant Investigation Process 2024. Collection method: clinical testing. Allele origin: germline.

Blueprint Genetics
Classification: Likely benign. Last evaluated: 2024-11-25. Review status: criteria provided, single submitter. Criteria: ACMG Guidelines, 2015. Collection method: clinical testing. Allele origin: germline.

Women's Health and Genetics/Laboratory Corporation of America, LabCorp
Classification: Benign. Last evaluated: 2019-12-16. Review status: criteria provided, single submitter. Criteria: LabCorp Variant Classification Summary - May 2015. Collection method: clinical testing. Allele origin: germline.
Comment: Variant summary: MYLK c.755-12C>T alters a non-conserved nucleotide located close to a canonical splice site and therefore could affect mRNA splicing, leading to a significantly altered protein sequence. 5/5 computational tools predict no significant impact on normal splicing. However, these predictions have yet to be confirmed by functional studies. The variant allele was found at a frequency of 0.002 in 251476 control chromosomes in the gnomAD database, including 1 homozygotes. The observed variant frequency is approximately 79-folds over the estimated maximal expected allele frequency for a pathogenic variant in MYLK causing Aortopathy phenotype (2.5e-05), strongly suggesting that the variant is benign. To our knowledge, no occurrence of c.755-12C>T in individuals affected with Aortopathy and no experimental evidence demonstrating its impact on protein function have been reported. Two ClinVar submissions (evaluation after 2014) cite the variant once as likely benign and once as benign. Based on the evidence outlined above, the variant was classified as benign.

Illumina Laboratory Services, Illumina
Classification: Likely benign for Aortic aneurysm, familial thoracic 7. Last evaluated: 2018-01-13. Review status: criteria provided, single submitter. Criteria: ICSL Variant Classification Criteria 13 December 2019. Collection method: clinical testing. Allele origin: germline.
Comment: This variant was observed in the ICSL laboratory as part of a predisposition screen in an ostensibly healthy population. It had not been previously curated by ICSL or reported in the Human Gene Mutation Database (HGMD: prior to June 1st, 2018), and was therefore a candidate for classification through an automated scoring system. Utilizing variant allele frequency, disease prevalence and penetrance estimates, and inheritance mode, an automated score was calculated to assess if this variant is too frequent to cause the disease. Based on the score and internal cut-off values, a variant classified as likely benign is not then subjected to further curation. The score for this variant resulted in a classification of likely benign for this disease.

GeneDx
Classification: Benign. Last evaluated: 2017-12-20. Review status: criteria provided, single submitter. Criteria: GeneDx Variant Classification (06012015). Collection method: clinical testing. Allele origin: germline. Affected: yes.
Comment: This variant is considered likely benign or benign based on one or more of the following criteria: it is a conservative change, it occurs at a poorly conserved position in the protein, it is predicted to be benign by multiple in silico algorithms, and/or has population frequency not consistent with disease.

Center for Human Genetics, Inc
Classification: Likely benign for Connective tissue disorder. Last evaluated: 2016-11-01. Review status: criteria provided, single submitter. Criteria: ACMG Guidelines, 2015. Collection method: clinical testing. Allele origin: germline. Affected: yes.

Laboratory for Molecular Medicine, Mass General Brigham Personalized Medicine
Classification: Likely benign. Last evaluated: 2013-04-04. Review status: criteria provided, single submitter. Criteria: LMM Criteria. Collection method: clinical testing. Allele origin: germline. Observed: 1 variant allele.
Comment: c.755-12C>T in intron 8 of MYLK: This variant is not expected to have clinical significance because it does not cause the splice site sequence to diverge from consensus and it has been identified in 0.2% (183/121404) chromosomes by the Exo me Aggregation Consortium (ExAC; dbSNP rs1388776 79).

Breakthrough Genomics
Classification: Likely benign. Review status: criteria provided, single submitter. Criteria: ACMG Guidelines, 2015. Collection method: not provided. Allele origin: germline. Inheritance: Autosomal recessive inheritance. Affected: yes.

Clinical Genetics DNA and cytogenetics Diagnostics Lab, Erasmus MC, Erasmus Medical Center
Classification: Benign. Review status: no assertion criteria provided. Collection method: clinical testing. Allele origin: germline. Affected: yes. Study: VKGL Data-share Consensus. Not counted in ClinVar's aggregate classification.

Genome Diagnostics Laboratory, University Medical Center Utrecht
Classification: Benign. Review status: no assertion criteria provided. Collection method: clinical testing. Allele origin: germline. Affected: yes. Study: VKGL Data-share Consensus. Not counted in ClinVar's aggregate classification.